The following is an entry in ClinVar:

NM_000719.7(CACNA1C):c.4305C>T (p.Ser1435=)

Gene: CACNA1C (calcium voltage-gated channel subunit alpha1 C; plus strand). Cytogenetic location: 12p13.33.
Variant type: single nucleotide variant.
Coding change: c.4305C>T on transcript NM_000719.7 (MANE Select); coding-DNA position 4305, C replaced by T.
Protein change: p.Ser1435=; no amino-acid change (serine 1435 retained).
Molecular consequence: synonymous variant.
Genome position (GRCh38, 1-based): chr12:2,664,897, C>T. VCF-style: chr12-2664897-C-T. GRCh37 (hg19) VCF-style: chr12-2774063-C-T.
Other names: c.4449C>T, p.Ser1483= (NM_001129827.2, NM_199460.4); c.4371C>T, p.Ser1457= (NM_001129829.2); c.4305C>T, p.Ser1435= (NM_001129830.3, NM_001129833.2, NM_001129834.2 and 7 more transcripts); c.4389C>T, p.Ser1463= (NM_001129831.2); c.4365C>T, p.Ser1455= (NM_001129832.2); c.4356C>T, p.Ser1452= (NM_001129836.2); c.4272C>T, p.Ser1424= (NM_001129837.2, NM_001129838.2, NM_001129846.2 and 1 more transcripts); c.4266C>T, p.Ser1422= (NM_001129839.2); and 1 more.
Identifiers: ClinVar variation 377610 (VCV000377610.15), dbSNP rs756717724, ClinGen allele CA6389524.

ClinVar aggregate classification (germline): Benign/Likely benign. Review status: criteria provided, multiple submitters, no conflicts (2 of 4 stars). 4 submissions from 4 submitters: Benign (1); Likely benign (3). Last evaluated 2024-11-03.

Conditions:
Long QT syndrome (LQTS). Identifiers: MedGen C0023976, MeSH D008133, MONDO:0002442. Disease mechanism: loss of function. Inheritance: Various modes of inheritance.
Cardiovascular phenotype. Identifiers: MedGen CN230736.

Allele frequency attached by ClinVar (database versions not stated): gnomAD 0.00001; gnomAD exomes 0.00004 and 0.00005; ExAC 0.00007.
gnomAD v4.1: 58 of 1,613,518 alleles (0.0036%); highest among the groups gnomAD compares: South Asian, 0.016%; 1 homozygote.

Submissions (4):

Labcorp Genetics (formerly Invitae), Labcorp
Classification: Likely benign for Long QT syndrome. Last evaluated: 2024-11-03. Review status: criteria provided, single submitter. Criteria: Invitae Variant Classification Sherloc (09022015). Collection method: clinical testing. Allele origin: germline.

Blueprint Genetics
Classification: Likely benign. Last evaluated: 2022-05-12. Review status: criteria provided, single submitter. Criteria: ACMG Guidelines, 2015. Collection method: clinical testing. Allele origin: germline.

Ambry Genetics
Classification: Likely benign for Cardiovascular phenotype. Last evaluated: 2020-03-16. Review status: criteria provided, single submitter. Criteria: Ambry Variant Classification Scheme 2023. Collection method: clinical testing. Allele origin: germline.

GeneDx
Classification: Benign. Last evaluated: 2015-03-09. Review status: criteria provided, single submitter. Criteria: GeneDx Variant Classification (06012015). Collection method: clinical testing. Allele origin: germline. Affected: yes.
Comment: This variant is considered likely benign or benign based on one or more of the following criteria: it is a conservative change, it occurs at a poorly conserved position in the protein, it is predicted to be benign by multiple in silico algorithms, and/or has population frequency not consistent with disease.